The following is an entry in ClinVar:

ClinVar aggregate classification (germline): Uncertain significance. Review status: criteria provided, multiple submitters, no conflicts (2 of 4 stars). 2 submissions from 2 submitters: Uncertain significance (2). Last evaluated 2024-09-26.

Conditions:
Inborn genetic diseases. Identifiers: MedGen C0950123, MeSH D030342.

Allele frequency attached by ClinVar (database versions not stated): gnomAD exomes 0.00002; ExAC 0.00005; ESP Exome Variant Server 0.00008; gnomAD 0.00013; TOPMed 0.00019.
gnomAD v4.1: 41 of 1,609,870 alleles (0.0025%); highest among the groups gnomAD compares: African/African-American, 0.039%; no homozygotes.

Submissions (2):

Ambry Genetics
Classification: Uncertain significance for Inborn genetic diseases. Last evaluated: 2024-09-26. Review status: criteria provided, single submitter. Criteria: Ambry Variant Classification Scheme 2023. Collection method: clinical testing. Allele origin: germline.

GeneDx
Classification: Uncertain significance. Last evaluated: 2022-11-12. Review status: criteria provided, single submitter. Criteria: GeneDx Variant Classification Process June 2021. Collection method: clinical testing. Allele origin: germline. Affected: yes.
Comment: In silico analysis supports that this missense variant does not alter protein structure/function; Has not been previously published as pathogenic or benign to our knowledge

NM_001271938.2(MEGF8):c.6307A>G (p.Met2103Val)

Gene: MEGF8 (multiple EGF like domains 8; plus strand). Cytogenetic location: 19q13.2.
Variant type: single nucleotide variant.
Coding change: c.6307A>G on transcript NM_001271938.2 (MANE Select); coding-DNA position 6307, A replaced by G.
Protein change: p.Met2103Val; replaces methionine 2103 with valine.
Molecular consequence: missense variant.
Genome position (GRCh38, 1-based): chr19:42,368,488, A>G. VCF-style: chr19-42368488-A-G. GRCh37 (hg19) VCF-style: chr19-42872640-A-G.
Other names: c.6106A>G, p.Met2036Val (NM_001410.3); short protein forms M2036V, M2103V.
Identifiers: ClinVar variation 2502060 (VCV002502060.2), dbSNP rs368780512, ClinGen allele CA9475834.